The following is an entry in ClinVar:

NM_001563.4(IMPG1):c.607G>T (p.Asp203Tyr)

Gene: IMPG1 (interphotoreceptor matrix proteoglycan 1; minus strand). Cytogenetic location: 6q14.1.
Variant type: single nucleotide variant.
Coding change: c.607G>T on transcript NM_001563.4 (MANE Select); coding-DNA position 607, G replaced by T.
Protein change: p.Asp203Tyr; replaces aspartic acid 203 with tyrosine.
Molecular consequence: missense variant.
Genome position (GRCh38, 1-based): chr6:76,022,175, C>A on the plus strand (G>T on the coding strand, the complement: IMPG1 is on the minus strand). VCF-style: chr6-76022175-C-A. GRCh37 (hg19) VCF-style: chr6-76731892-C-A.
Other names: c.373G>T, p.Asp125Tyr (NM_001282368.2); short protein forms D125Y, D203Y.
Identifiers: ClinVar variation 1063015 (VCV001063015.9), dbSNP rs774787008, ClinGen allele CA364779324.
Genomic context (GRCh38, chr6:76,022,175, plus strand): 5'-CTGTTGTAGGCATCTTGGTGTCGTTGAGTGTATTATCGAGAATTTCATTGAGGAGGGTGT[C>A]ATCAGGAGTGAGAGGGAAAGGCCCAAGTGAGACGTTGGCAACATCTGTGAAAATTTTAAA-3'
Protein context (NP_001554.2, residues 193-213): SLGPFPLTPD[Asp203Tyr]TLLNEILDNT

ClinVar aggregate classification (germline): Uncertain significance (1 of 4 stars; one submission).

gnomAD v4.1: 13 of 1,597,688 alleles (0.00081%); highest among the groups gnomAD compares: Non-Finnish European, 0.0011%; no homozygotes.

Submission:

Labcorp Genetics (formerly Invitae), Labcorp
Classification: Uncertain significance. Last evaluated: 2020-03-12. Review status: criteria provided, single submitter. Criteria: Invitae Variant Classification Sherloc (09022015). Collection method: clinical testing. Allele origin: germline.
Comment: In summary, the available evidence is currently insufficient to determine the role of this variant in disease. Therefore, it has been classified as a Variant of Uncertain Significance. Algorithms developed to predict the effect of missense changes on protein structure and function are either unavailable or do not agree on the potential impact of this missense change (SIFT: "Tolerated"; PolyPhen-2: "Possibly Damaging"; Align-GVGD: "Class C0"). This variant has not been reported in the literature in individuals with IMPG1-related conditions. This variant is not present in population databases (ExAC no frequency). This sequence change replaces aspartic acid with tyrosine at codon 203 of the IMPG1 protein (p.Asp203Tyr). The aspartic acid residue is weakly conserved and there is a large physicochemical difference between aspartic acid and tyrosine.